The following is an entry in ClinVar:

NM_020338.4(ZMIZ1):c.1784C>T (p.Thr595Met)

Gene: ZMIZ1 (zinc finger MIZ-type containing 1; plus strand). Cytogenetic location: 10q22.3.
Variant type: single nucleotide variant.
Coding change: c.1784C>T on transcript NM_020338.4 (MANE Select); coding-DNA position 1784, C replaced by T.
Protein change: p.Thr595Met; replaces threonine 595 with methionine.
Molecular consequence: missense variant.
Genome position (GRCh38, 1-based): chr10:79,299,167, C>T. VCF-style: chr10-79299167-C-T. GRCh37 (hg19) VCF-style: chr10-81058924-C-T.
Other names: c.1784C>T (NM_020338.3); short protein forms T595M.
Identifiers: ClinVar variation 2175369 (VCV002175369.5), dbSNP rs746314274, ClinGen allele CA5572792.
Genomic context (GRCh38, chr10:79,299,167, plus strand): 5'-AGCCCTTCCGCCTGGAGCACAACCTGGCGGTCAGCAACCATGTGTTCCACCTGCGGCCCA[C>T]GGTCCACCAGACGCTGATGTGGAGGTGCGTGTCAGGGCAGGGGCGCCAGCCCAGGCGGGA-3'
Protein context (NP_065071.1, residues 585-605): VSNHVFHLRP[Thr595Met]VHQTLMWRSD

ClinVar aggregate classification (germline): Conflicting classifications of pathogenicity. Review status: criteria provided, conflicting classifications (1 of 4 stars). 2 submissions from 2 submitters: Uncertain significance (1); Likely benign (1). Last evaluated 2024-07-13.

Conditions:
Inborn genetic diseases. Identifiers: MedGen C0950123, MeSH D030342.

Allele frequency attached by ClinVar (database versions not stated): gnomAD 0.00002; TOPMed 0.00004; gnomAD exomes 0.00005; ExAC 0.00011.
gnomAD v4.1: 70 of 1,607,786 alleles (0.0044%); highest among the groups gnomAD compares: South Asian, 0.0055%; no homozygotes.

Submissions (2):

Labcorp Genetics (formerly Invitae), Labcorp
Classification: Uncertain significance. Last evaluated: 2024-07-13. Review status: criteria provided, single submitter. Criteria: Invitae Variant Classification Sherloc (09022015). Collection method: clinical testing. Allele origin: germline.
Comment: This sequence change replaces threonine, which is neutral and polar, with methionine, which is neutral and non-polar, at codon 595 of the ZMIZ1 protein (p.Thr595Met). This variant is present in population databases (rs746314274, gnomAD 0.01%). This missense change has been observed in individual(s) with clinical features of ZMIZ1-related conditions (PMID: 33057194, 35982159). ClinVar contains an entry for this variant (Variation ID: 2175369). Advanced modeling of protein sequence and biophysical properties (such as structural, functional, and spatial information, amino acid conservation, physicochemical variation, residue mobility, and thermodynamic stability) performed at Invitae indicates that this missense variant is expected to disrupt ZMIZ1 protein function with a positive predictive value of 80%. In summary, the available evidence is currently insufficient to determine the role of this variant in disease. Therefore, it has been classified as a Variant of Uncertain Significance.

Ambry Genetics
Classification: Likely benign for Inborn genetic diseases. Last evaluated: 2022-10-26. Review status: criteria provided, single submitter. Criteria: Ambry Variant Classification Scheme 2023. Collection method: clinical testing. Allele origin: germline.

Literature cited by the submitters: PubMed 33057194 (cited by Labcorp Genetics (formerly Invitae), Labcorp); PubMed 35982159 (cited by Labcorp Genetics (formerly Invitae), Labcorp).